The following is an entry in ClinVar:

ClinVar aggregate classification (germline): Uncertain significance (1 of 4 stars; one submission).

Conditions:
Charcot-Marie-Tooth disease axonal type 2C (HMSN2C). Also called: CHARCOT-MARIE-TOOTH DISEASE, AXONAL, AUTOSOMAL DOMINANT, TYPE 2C; Charcot-Marie-Tooth Neuropathy Type 2C; Charcot-Marie-Tooth Disease Type 2, TRPV4-Related (CMT2C). Identifiers: Orphanet 99937, MedGen C1853710, MONDO:0011633, OMIM 606071.

Submission:

Labcorp Genetics (formerly Invitae), Labcorp
Classification: Uncertain significance for Charcot-Marie-Tooth disease axonal type 2C. Last evaluated: 2024-05-22. Review status: criteria provided, single submitter. Criteria: Invitae Variant Classification Sherloc (09022015). Collection method: clinical testing. Allele origin: germline.
Comment: This sequence change replaces valine, which is neutral and non-polar, with leucine, which is neutral and non-polar, at codon 452 of the TRPV4 protein (p.Val452Leu). This variant is not present in population databases (gnomAD no frequency). This variant has not been reported in the literature in individuals affected with TRPV4-related conditions. Advanced modeling of protein sequence and biophysical properties (such as structural, functional, and spatial information, amino acid conservation, physicochemical variation, residue mobility, and thermodynamic stability) performed at Invitae indicates that this missense variant is not expected to disrupt TRPV4 protein function with a negative predictive value of 95%. In summary, the available evidence is currently insufficient to determine the role of this variant in disease. Therefore, it has been classified as a Variant of Uncertain Significance.

NM_021625.5(TRPV4):c.1354G>C (p.Val452Leu)

Gene: TRPV4 (transient receptor potential cation channel subfamily V member 4; minus strand). Cytogenetic location: 12q24.11.
Variant type: single nucleotide variant.
Coding change: c.1354G>C on transcript NM_021625.5 (MANE Select); coding-DNA position 1354, G replaced by C.
Protein change: p.Val452Leu; replaces valine 452 with leucine.
Molecular consequence: missense variant.
Genome position (GRCh38, 1-based): chr12:109,794,466, C>G on the plus strand (G>C on the coding strand, the complement: TRPV4 is on the minus strand). VCF-style: chr12-109794466-C-G. GRCh37 (hg19) VCF-style: chr12-110232271-C-G.
Other names: c.1213G>C, p.Val405Leu (NM_001177428.2); c.1252G>C, p.Val418Leu (NM_001177431.2); c.1033G>C, p.Val345Leu (NM_001177433.2); c.1174G>C, p.Val392Leu (NM_147204.3); short protein forms V345L, V405L, V452L, V392L, V418L.
Identifiers: ClinVar variation 3637648 (VCV003637648.2).
Genomic context (GRCh38, chr12:109,794,466, plus strand): 5'-AGAAGGAGACGGCCCCGAACTTGCGCCACTTGTCCCGCAGCAGTTCATTGATGGGCTCCA[C>G]AGCCAGCATCTCGTGGCGGTTCTAAGAGAGGCAGGGTGGTCGGGGGCTGCCTTCCTGAGA-3'
Protein context (NP_067638.3, residues 442-462): KIENRHEMLA[Val452Leu]EPINELLRDK